The following is an entry in ClinVar:

NM_000628.5(IL10RB):c.301G>C (p.Val101Leu)

Genes: IFNAR2-IL10RB (IFNAR2-IL10RB readthrough; plus strand), IL10RB (interleukin 10 receptor subunit beta; plus strand). Cytogenetic location: 21q22.11.
Variant type: single nucleotide variant.
Coding change: c.301G>C on transcript NM_000628.5 (MANE Select); coding-DNA position 301, G replaced by C.
Protein change: p.Val101Leu; replaces valine 101 with leucine.
Molecular consequence: missense variant.
Genome position (GRCh38, 1-based): chr21:33,276,723, G>C. VCF-style: chr21-33276723-G-C. GRCh37 (hg19) VCF-style: chr21-34649028-G-C.
Other names: c.961G>C, p.Val321Leu (NM_001414505.1); c.301G>C, p.Val101Leu (NM_001405849.1, NM_001405850.1, NM_001406840.1); short protein forms V101L, V321L.
Identifiers: ClinVar variation 1997537 (VCV001997537.1), dbSNP rs745403526, ClinGen allele CA410108988.

ClinVar aggregate classification (germline): Uncertain significance (1 of 4 stars; one submission).

Conditions:
Inflammatory bowel disease 25. Also called: Inflammatory bowel disease 25, early onset, autosomal recessive. Identifiers: Orphanet 238569, MedGen C2675508, MONDO:0012941, OMIM 612567.

Submission:

Labcorp Genetics (formerly Invitae), Labcorp
Classification: Uncertain significance for Inflammatory bowel disease 25. Last evaluated: 2022-05-21. Review status: criteria provided, single submitter. Criteria: Invitae Variant Classification Sherloc (09022015). Collection method: clinical testing. Allele origin: germline.
Comment: This sequence change replaces valine, which is neutral and non-polar, with leucine, which is neutral and non-polar, at codon 101 of the IL10RB protein (p.Val101Leu). This variant is present in population databases (no rsID available, gnomAD 0.0009%). This variant has not been reported in the literature in individuals affected with IL10RB-related conditions. Algorithms developed to predict the effect of missense changes on protein structure and function (SIFT, PolyPhen-2, Align-GVGD) all suggest that this variant is likely to be tolerated. Algorithms developed to predict the effect of sequence changes on RNA splicing suggest that this variant may create or strengthen a splice site. In summary, the available evidence is currently insufficient to determine the role of this variant in disease. Therefore, it has been classified as a Variant of Uncertain Significance.